The following is an entry in ClinVar:

ClinVar aggregate classification (germline): Uncertain significance (1 of 4 stars; one submission).

Allele frequency attached by ClinVar (database versions not stated): gnomAD exomes 0.00001; ExAC 0.00001.
gnomAD v4.1: 9 of 1,211,670 alleles (0.00074%); highest among the groups gnomAD compares: South Asian, 0.0018%; no homozygotes.

Submission:

GeneDx
Classification: Uncertain significance. Last evaluated: 2012-08-28. Review status: criteria provided, single submitter. Criteria: GeneDx Variant Classification (06012015). Collection method: clinical testing. Allele origin: germline. Affected: yes.
Comment: p.Ala342Val (GCG>GTG):c.1025 C>T in exon 8 of the SYN1 gene (NM_133499.2) The Ala342Val missense change has not been published as a mutation, nor has it been reported as a benign polymorphism to our knowledge. The NHLBI ESP Exome Variant Project has not identified Ala342Val in approximately 6,500 individuals of European or African American ethnicity, indicating that it is not a common benign variant in these populations. The amino acid change is conservative, as Alanine and Valine are both uncharged, non-polar amino acid residues. However, Ala342Val alters a highly conserved position in the protein, and multiple in silico algorithms predict it may be damaging to protein structure/function. Therefore, based on the currently available information, it is unclear whether Ala342Val is a disease-causing mutation or a rare benign variant. The variant is found in EPILEPSY panel(s).

NM_006950.3(SYN1):c.1025C>T (p.Ala342Val)

Gene: SYN1 (synapsin I; minus strand). Cytogenetic location: Xp11.3.
Variant type: single nucleotide variant.
Coding change: c.1025C>T on transcript NM_006950.3 (MANE Select); coding-DNA position 1025, C replaced by T.
Protein change: p.Ala342Val; replaces alanine 342 with valine.
Molecular consequence: missense variant.
Genome position (GRCh38, 1-based): chrX:47,576,362, G>A on the plus strand (C>T on the coding strand, the complement: SYN1 is on the minus strand). VCF-style: chrX-47576362-G-A. GRCh37 (hg19) VCF-style: chrX-47435761-G-A.
Other names: p.A342V:GCG>GTG; c.1025C>T, p.Ala342Val (NM_133499.2); short protein forms A342V.
Identifiers: ClinVar variation 207468 (VCV000207468.2), dbSNP rs762189745, ClinGen allele CA318943.